The following is an entry in ClinVar:

NM_033517.1:c.4213T>G

Gene: SHANK3 (SH3 and multiple ankyrin repeat domains 3; plus strand).
Variant type: single nucleotide variant.
Other names: c.4213T>G (NM_033517.1).
Identifiers: ClinVar variation 4685413 (VCV004685413.1).

ClinVar aggregate classification (germline): Uncertain significance (1 of 4 stars; one submission).

Submission:

GeneDx
Classification: Uncertain significance. Last evaluated: 2025-07-08. Review status: criteria provided, single submitter. Criteria: GeneDx Variant Classification Process June 2021. Collection method: clinical testing. Allele origin: germline. Affected: yes.
Comment: Not observed at significant frequency in large population cohorts (gnomAD); In silico analysis supports that this missense variant has a deleterious effect on protein structure/function; Has not been previously published as pathogenic or benign to our knowledge